The following is an entry in ClinVar:

ClinVar aggregate classification (germline): Uncertain significance (1 of 4 stars; one submission).

Conditions:
Hereditary pheochromocytoma and paraganglioma. Also called: Hereditary Paraganglioma-Pheochromocytoma Syndromes; Hereditary paragangliomas and pheochromocytomas; Hereditary pheochromocytoma-paraganglioma. Identifiers: Orphanet 29072, MedGen C4274332, MONDO:0017366.

Submission:

Labcorp Genetics (formerly Invitae), Labcorp
Classification: Uncertain significance for Hereditary Paraganglioma-Pheochromocytoma Syndromes. Last evaluated: 2019-10-31. Review status: criteria provided, single submitter. Criteria: Invitae Variant Classification Sherloc (09022015). Collection method: clinical testing. Allele origin: germline.
Comment: A gross duplication of the genomic region encompassing the full coding sequence of the TMEM127 gene has been identified. The boundaries of this event are unknown as the duplication extends beyond the assayed region for this gene and therefore may encompass additional genes. As the precise location of this duplication is unknown, it may be in tandem or it may be located elsewhere in the genome. This variant has not been reported in the literature in individuals with TMEM127-related disease. In summary, the available evidence is currently insufficient to determine the role of this variant in disease. Therefore, it has been classified as a Variant of Uncertain Significance.

NC_000002.11:g.(?_96919540)_(96931125_?)dup

Genes: TMEM127 (transmembrane protein 127; minus strand), LOC110121224 (VISTA enhancer hs1919; plus strand), LOC129934333 (ATAC-STARR-seq lymphoblastoid silent region 11759; plus strand). Cytogenetic location: 2q11.2.
Variant type: Duplication.
Identifiers: ClinVar variation 463801 (VCV000463801.2).